The following is an entry in ClinVar:

NM_004360.5(CDH1):c.1363G>T (p.Ala455Ser)

Gene: CDH1 (cadherin 1; plus strand). Cytogenetic location: 16q22.1.
Variant type: single nucleotide variant.
Coding change: c.1363G>T on transcript NM_004360.5 (MANE Select); coding-DNA position 1363, G replaced by T.
Protein change: p.Ala455Ser; replaces alanine 455 with serine.
Molecular consequence: missense variant. On other transcripts: 5 prime UTR variant (2).
Genome position (GRCh38, 1-based): chr16:68,815,557, G>T. VCF-style: chr16-68815557-G-T. GRCh37 (hg19) VCF-style: chr16-68849460-G-T.
Other names: c.1363G>T (LRG_301t1, NM_004360.4); c.1180G>T, p.Ala394Ser (NM_001317184.2); c.-186G>T (NM_001317185.2); c.-457G>T (NM_001317186.2); short protein forms A455S, A394S.
Identifiers: ClinVar variation 232433 (VCV000232433.16), dbSNP rs876659762, ClinGen allele CA10580111.
Genomic context (GRCh38, chr16:68,815,557, plus strand): 5'-ATTGTTTCTGCTCTCTAGGGCTTGGATTTTGAGGCCAAGCAGCAGTACATTCTACACGTA[G>T]CAGTGACGAATGTGGTACCTTTTGAGGTCTCTCTCACCACCTCCACAGCCACCGTCACCG-3'
Protein context (NP_004351.1, residues 445-465): EAKQQYILHV[Ala455Ser]VTNVVPFEVS

ClinVar aggregate classification (germline): Conflicting classifications of pathogenicity. Review status: criteria provided, conflicting classifications (1 of 4 stars). 3 submissions from 3 submitters: Uncertain significance (2); Likely benign (1). Last evaluated 2026-07-07.

Conditions:
Hereditary cancer-predisposing syndrome. Also called: Tumor predisposition; Neoplastic Syndromes, Hereditary; Hereditary Cancer Syndrome; Hereditary neoplastic syndrome. Identifiers: Orphanet 140162, MedGen C0027672, MeSH D009386, MONDO:0015356.
Hereditary diffuse gastric adenocarcinoma (HDGC). Also called: DIFFUSE GASTRIC AND LOBULAR BREAST CANCER SYNDROME. Identifiers: Orphanet 26106, MedGen C1708349, MONDO:0007648, OMIM 137215.

Submissions (3):

Ambry Genetics
Classification: Likely benign for Hereditary cancer-predisposing syndrome. Last evaluated: 2026-07-07. Review status: criteria provided, single submitter. Criteria: Ambry Variant Classification Scheme 2023. Collection method: clinical testing. Allele origin: germline.

Labcorp Genetics (formerly Invitae), Labcorp
Classification: Uncertain significance for Hereditary diffuse gastric adenocarcinoma. Last evaluated: 2025-08-11. Review status: criteria provided, single submitter. Criteria: Invitae Variant Classification Sherloc (09022015). Collection method: clinical testing. Allele origin: germline.
Comment: This sequence change replaces alanine, which is neutral and non-polar, with serine, which is neutral and polar, at codon 455 of the CDH1 protein (p.Ala455Ser). This variant is not present in population databases (gnomAD no frequency). This variant has not been reported in the literature in individuals affected with CDH1-related conditions. ClinVar contains an entry for this variant (Variation ID: 232433). An algorithm developed to predict the effect of missense changes on protein structure and function (PolyPhen-2) suggests that this variant is likely to be tolerated. In summary, the available evidence is currently insufficient to determine the role of this variant in disease. Therefore, it has been classified as a Variant of Uncertain Significance.

Quest Diagnostics Nichols Institute San Juan Capistrano
Classification: Uncertain significance. Last evaluated: 2023-07-19. Review status: criteria provided, single submitter. Criteria: Quest Diagnostics criteria. Collection method: clinical testing. Allele origin: unknown.
Comment: This variant has not been reported in individuals with CDH1-related conditions in the published literature. It also has not been reported in large, multi-ethnic general populations (Genome Aggregation Database). Analysis of this variant using bioinformatics tools for the prediction of the effect of amino acid changes on protein structure and function yielded predictions that this variant is benign. Based on the available information, we are unable to determine the clinical significance of this variant.